The following is an entry in ClinVar:

NM_173477.5(USH1G):c.*571T>A

Gene: USH1G (USH1 protein network component sans; minus strand). Cytogenetic location: 17q25.1.
Variant type: single nucleotide variant.
Coding change: c.*571T>A on transcript NM_173477.5 (MANE Select); 571 bases downstream of the stop codon, T replaced by A.
Molecular consequence: 3 prime UTR variant.
Genome position (GRCh38, 1-based): chr17:74,917,502, A>T on the plus strand (T>A on the coding strand, the complement: USH1G is on the minus strand). VCF-style: chr17-74917502-A-T. GRCh37 (hg19) VCF-style: chr17-72913596-A-T.
Other names: c.*571T>A (NM_001282489.3).
Identifiers: ClinVar variation 325044 (VCV000325044.6), dbSNP rs111611253, ClinGen allele CA10650930.

ClinVar aggregate classification (germline): Likely benign. Review status: criteria provided, multiple submitters, no conflicts (2 of 4 stars). 2 submissions from 2 submitters: Likely benign (2). Last evaluated 2017-04-27.

Conditions:
Usher syndrome type 1G. Also called: USHER SYNDROME, TYPE IG, MILD. Identifiers: Orphanet 231169, Orphanet 886, MedGen C1847089, MONDO:0011748, OMIM 606943.

Allele frequency attached by ClinVar (database versions not stated): gnomAD exomes 0.00781; gnomAD 0.03875 and 0.04134; 1000 Genomes Project 0.03894; 1000 Genomes Project 30x 0.04060; TOPMed 0.04421.

Submissions (2):

Illumina Laboratory Services, Illumina
Classification: Likely benign for Usher syndrome type 1G. Last evaluated: 2017-04-27. Review status: criteria provided, single submitter. Criteria: ICSL Variant Classification Criteria 13 December 2019. Collection method: clinical testing. Allele origin: germline.
Comment: This variant was observed as part of a predisposition screen in an ostensibly healthy population. A literature search was performed for the gene, cDNA change, and amino acid change (where applicable). No publications were found based on this search. Allele frequency data from public databases allowed determination this variant is unlikely to cause disease. Therefore, this variant is classified as likely benign.

Breakthrough Genomics
Classification: Likely benign. Review status: criteria provided, single submitter. Criteria: ACMG Guidelines, 2015. Collection method: not provided. Allele origin: germline. Inheritance: Autosomal recessive inheritance. Affected: yes.